The following is an entry in ClinVar:

NM_000135.4(FANCA):c.3293A>T (p.Glu1098Val)

Gene: FANCA (FA complementation group A; minus strand). Cytogenetic location: 16q24.3.
Variant type: single nucleotide variant.
Coding change: c.3293A>T on transcript NM_000135.4 (MANE Select); coding-DNA position 3293, A replaced by T.
Protein change: p.Glu1098Val; replaces glutamic acid 1098 with valine.
Molecular consequence: missense variant.
Genome position (GRCh38, 1-based): chr16:89,748,714, T>A on the plus strand (A>T on the coding strand, the complement: FANCA is on the minus strand). VCF-style: chr16-89748714-T-A. GRCh37 (hg19) VCF-style: chr16-89815122-T-A.
Other names: c.3293A>T, p.Glu1098Val (NM_001286167.3); short protein forms E1098V.
Identifiers: ClinVar variation 4022360 (VCV004022360.1).

ClinVar aggregate classification (germline): Uncertain significance (1 of 4 stars; one submission).

Conditions:
Inborn genetic diseases. Identifiers: MedGen C0950123, MeSH D030342.

Submission:

Ambry Genetics
Classification: Uncertain significance for Inborn genetic diseases. Last evaluated: 2025-06-08. Review status: criteria provided, single submitter. Criteria: Ambry Variant Classification Scheme 2023. Collection method: clinical testing. Allele origin: germline.
Comment: The p.E1098V variant (also known as c.3293A>T), located in coding exon 33 of the FANCA gene, results from an A to T substitution at nucleotide position 3293. The glutamic acid at codon 1098 is replaced by valine, an amino acid with dissimilar properties. This amino acid position is conserved. In addition, this alteration is predicted to be tolerated by in silico analysis. Based on the available evidence, the clinical significance of this variant remains unclear.